The following is an entry in ClinVar:

NM_001042492.3(NF1):c.3496+5G>C

Gene: NF1 (neurofibromin 1; plus strand). Cytogenetic location: 17q11.2.
Variant type: single nucleotide variant.
Coding change: c.3496+5G>C on transcript NM_001042492.3 (MANE Select); 5 bases into the intron after coding-DNA position 3496, G replaced by C.
Molecular consequence: intron variant.
Genome position (GRCh38, 1-based): chr17:31,232,886, G>C. VCF-style: chr17-31232886-G-C. GRCh37 (hg19) VCF-style: chr17-29559904-G-C.
Other names: c.3496+5G>C (NM_000267.4).
Identifiers: ClinVar variation 185921 (VCV000185921.9), dbSNP rs786202564, ClinGen allele CA193385.
Genomic context (GRCh38, chr17:31,232,886, plus strand): 5'-TGCAATGTCAAACTTACTCAATGCCAACGTAGACAGTGGTCTCATGCACTCCATAGGTGA[G>C]ATCAAATGAAAGTTTCATATAGAAATACAAAACCTAGAGAACTGGCATGTAAGAGAAGCA-3'

ClinVar aggregate classification (germline): Conflicting classifications of pathogenicity. Review status: criteria provided, conflicting classifications (1 of 4 stars). 3 submissions from 3 submitters: Pathogenic (1); Uncertain significance (2). Last evaluated 2024-11-24.

Conditions:
Hereditary cancer-predisposing syndrome. Also called: Hereditary Cancer Syndrome; Neoplastic Syndromes, Hereditary; Tumor predisposition; Hereditary neoplastic syndrome. Identifiers: Orphanet 140162, MedGen C0027672, MeSH D009386, MONDO:0015356.
Neurofibromatosis, type 1 (NF1). Also called: NEUROFIBROMATOSIS, TYPE I, SOMATIC; VON RECKLINGHAUSEN DISEASE; Peripheral type neurofibromatosis; Neurofibromatosis, type I. Identifiers: Orphanet 636, MedGen C0027831, MONDO:0018975, OMIM 162200. Disease mechanism: loss of function.

Submissions (3):

Labcorp Genetics (formerly Invitae), Labcorp
Classification: Pathogenic for Neurofibromatosis, type 1. Last evaluated: 2024-11-24. Review status: criteria provided, single submitter. Criteria: Invitae Variant Classification Sherloc (09022015). Collection method: clinical testing. Allele origin: germline.
Comment: This sequence change falls in intron 26 of the NF1 gene. It does not directly change the encoded amino acid sequence of the NF1 protein. RNA analysis indicates that this variant induces altered splicing and may result in an absent or altered protein product. This variant is not present in population databases (gnomAD no frequency). This variant has been observed in individual(s) with neurofibromatosis type 1 (PMID: 17311297, 18546366; internal data). This variant is also known as being located in intron 20. ClinVar contains an entry for this variant (Variation ID: 185921). Variants that disrupt the consensus splice site are a relatively common cause of aberrant splicing (PMID: 17576681, 9536098). Studies have shown that this variant results in skipping of exon 26, and produces a non-functional protein and/or introduces a premature termination codon (PMID: 18546366; internal data). For these reasons, this variant has been classified as Pathogenic.

Genomic Medicine Center of Excellence, King Faisal Specialist Hospital and Research Centre
Classification: Uncertain significance for Neurofibromatosis, type 1. Last evaluated: 2024-03-25. Review status: criteria provided, single submitter. Criteria: ACMG Guidelines, 2015. Collection method: clinical testing. Allele origin: germline.

Ambry Genetics
Classification: Uncertain significance for Hereditary cancer-predisposing syndrome. Last evaluated: 2014-08-19. Review status: criteria provided, single submitter. Criteria: Ambry Autosomal Dominant and X-Linked criteria (10/2015). Collection method: clinical testing. Allele origin: germline. Observed: 1 variant allele.
Comment: The c.3496+5G>C intronic variant results from a G to C substitution 5 nucleotides after coding exon 26 in the NF1 gene. This variant was not reported in population based cohorts in the following databases: Database of Single Nucleotide Polymorphisms (dbSNP), NHLBI Exome Sequencing Project (ESP), and 1000 Genomes Project. In the ESP, this variant was not observed in 6503 samples (13006 alleles) with coverage at this position.<span style="background-color: initial;">To date, this alteration has been detected with an allele frequency of approximately 0.01% (greater than 11000 alleles tested) in our clinical cohort. Based on protein sequence alignment, this<span style="background-color: initial;">nucleotide position is highly conserved through mammals. Using two different splice site prediction tools, this alteration is predicted by BDGP to abolish the native donor splice site, and is predicted to weaken (but not abolish) the efficacy of the native donor splice site by ESEfinder; however, direct evidence is unavailable.<span style="background-color: initial;">Since supporting evidence is limited at this time, the clinical significance of c.3496+5G>C remains unclear.

Literature cited by the submitters: PubMed 17311297 (cited by Labcorp Genetics (formerly Invitae), Labcorp); PubMed 18546366 (cited by Labcorp Genetics (formerly Invitae), Labcorp); PubMed 17576681 (cited by Labcorp Genetics (formerly Invitae), Labcorp); PubMed 9536098 (cited by Labcorp Genetics (formerly Invitae), Labcorp).